The following is an entry in ClinVar:

NM_152564.5(VPS13B):c.10765C>T (p.Leu3589Phe)

Gene: VPS13B (vacuolar protein sorting 13 homolog B; plus strand). Cytogenetic location: 8q22.2.
Variant type: single nucleotide variant.
Coding change: c.10765C>T on transcript NM_152564.5 (MANE Select); coding-DNA position 10765, C replaced by T.
Protein change: p.Leu3589Phe; replaces leucine 3589 with phenylalanine.
Molecular consequence: missense variant.
Genome position (GRCh38, 1-based): chr8:99,854,154, C>T. VCF-style: chr8-99854154-C-T. GRCh37 (hg19) VCF-style: chr8-100866382-C-T.
Other names: c.10840C>T, p.Leu3614Phe (NM_017890.5); c.10765C>T (NM_152564.4); short protein forms L3614F, L3589F.
Identifiers: ClinVar variation 1373789 (VCV001373789.7), dbSNP rs551114360, ClinGen allele CA182314845.

ClinVar aggregate classification (germline): Uncertain significance. Review status: criteria provided, multiple submitters, no conflicts (2 of 4 stars). 2 submissions from 2 submitters: Uncertain significance (2). Last evaluated 2026-06-27.

Conditions:
Cohen syndrome (COH1). Also called: Cutis verticis gyrata, retinitis pigmentosa, and sensorineural deafness; PEPPER SYNDROME. Identifiers: Orphanet 193, MedGen C0265223, MONDO:0008999, OMIM 216550.
VPS13B-related disorder. Also called: VPS13B-related condition.

Allele frequency attached by ClinVar (database versions not stated): gnomAD 0.00001; 1000 Genomes Project 30x 0.00016; 1000 Genomes Project 0.00020.
gnomAD v4.1: 2 of 1,613,898 alleles (0.00012%); highest among the groups gnomAD compares: Non-Finnish European, 0.00017%; no homozygotes.

Submissions (2):

PreventionGenetics, part of Exact Sciences
Classification: Uncertain significance for VPS13B-related condition. Last evaluated: 2026-06-27. Review status: criteria provided, single submitter. Criteria: ACMG Guidelines, 2015. Collection method: clinical testing. Allele origin: germline.
Comment: The VPS13B c.10765C>T variant is predicted to result in the amino acid substitution p.Leu3589Phe. To our knowledge, this variant has not been reported in the literature. This variant is reported in 0.00088% of alleles in individuals of European (Non-Finnish) descent in gnomAD. At this time, the clinical significance of this variant is uncertain due to the absence of conclusive functional and genetic evidence.

Labcorp Genetics (formerly Invitae), Labcorp
Classification: Uncertain significance for Cohen syndrome. Last evaluated: 2025-11-10. Review status: criteria provided, single submitter. Criteria: Invitae Variant Classification Sherloc (09022015). Collection method: clinical testing. Allele origin: germline.
Comment: This sequence change replaces leucine, which is neutral and non-polar, with phenylalanine, which is neutral and non-polar, at codon 3614 of the VPS13B protein (p.Leu3614Phe). This variant is not present in population databases (gnomAD no frequency). This variant has not been reported in the literature in individuals affected with VPS13B-related conditions. ClinVar contains an entry for this variant (Variation ID: 1373789). Invitae Evidence Modeling of protein sequence and biophysical properties (such as structural, functional, and spatial information, amino acid conservation, physicochemical variation, residue mobility, and thermodynamic stability) indicates that this missense variant is expected to disrupt VPS13B protein function with a positive predictive value of 80%. In summary, the available evidence is currently insufficient to determine the role of this variant in disease. Therefore, it has been classified as a Variant of Uncertain Significance.